The following is an entry in ClinVar:

ClinVar aggregate classification (germline): Uncertain significance. Review status: criteria provided, multiple submitters, no conflicts (2 of 4 stars). 2 submissions from 2 submitters: Uncertain significance (2). Last evaluated 2024-11-11.

Conditions:
Inborn genetic diseases. Identifiers: MedGen C0950123, MeSH D030342.

Allele frequency attached by ClinVar (database versions not stated): TOPMed 0.00002; gnomAD 0.00003; ExAC 0.00004.

Submissions (2):

Labcorp Genetics (formerly Invitae), Labcorp
Classification: Uncertain significance. Last evaluated: 2024-11-11. Review status: criteria provided, single submitter. Criteria: Invitae Variant Classification Sherloc (09022015). Collection method: clinical testing. Allele origin: germline.
Comment: This sequence change replaces proline, which is neutral and non-polar, with leucine, which is neutral and non-polar, at codon 791 of the DOCK6 protein (p.Pro791Leu). The frequency data for this variant in the population databases is considered unreliable, as metrics indicate poor data quality at this position in the gnomAD database. This variant has not been reported in the literature in individuals affected with DOCK6-related conditions. ClinVar contains an entry for this variant (Variation ID: 2183073). Invitae Evidence Modeling of protein sequence and biophysical properties (such as structural, functional, and spatial information, amino acid conservation, physicochemical variation, residue mobility, and thermodynamic stability) indicates that this missense variant is not expected to disrupt DOCK6 protein function with a negative predictive value of 80%. In summary, the available evidence is currently insufficient to determine the role of this variant in disease. Therefore, it has been classified as a Variant of Uncertain Significance.

Ambry Genetics
Classification: Uncertain significance for Inborn genetic diseases. Last evaluated: 2024-11-10. Review status: criteria provided, single submitter. Criteria: Ambry Variant Classification Scheme 2023. Collection method: clinical testing. Allele origin: germline.

NM_020812.4(DOCK6):c.2372C>T (p.Pro791Leu)

Gene: DOCK6 (dedicator of cytokinesis 6; minus strand). Cytogenetic location: 19p13.2.
Variant type: single nucleotide variant.
Coding change: c.2372C>T on transcript NM_020812.4 (MANE Select); coding-DNA position 2372, C replaced by T.
Protein change: p.Pro791Leu; replaces proline 791 with leucine.
Molecular consequence: missense variant.
Genome position (GRCh38, 1-based): chr19:11,236,366, G>A on the plus strand (C>T on the coding strand, the complement: DOCK6 is on the minus strand). VCF-style: chr19-11236366-G-A. GRCh37 (hg19) VCF-style: chr19-11347042-G-A.
Other names: c.2372C>T (NM_020812.2); c.2372C>T, p.Pro791Leu (NM_001367830.1); short protein forms P791L.
Identifiers: ClinVar variation 2183073 (VCV002183073.4), dbSNP rs530983887, ClinGen allele CA9207655.
Genomic context (GRCh38, chr19:11,236,366, plus strand): 5'-GTGGATGGGGAAACTGAGGTCTGAGGCCACATTCGCTTACCAATCTGGCCACTGATGATC[G>A]GGGGCCTGATGACCAGACGCACGAGCTTGTCCAGCACGTGGTGGGAGAAGGCCACAAGGG-3'
Protein context (NP_065863.2, residues 781-801): DKLVRLVIRP[Pro791Leu]IISGQIVNLG